The following is an entry in ClinVar:

ClinVar aggregate classification (germline): Uncertain significance (1 of 4 stars; one submission).

Conditions:
Spermatogenic failure 65 (SPGF65). Identifiers: MedGen C5562067, MONDO:0030531, OMIM 619712.

Submission:

Juno Genomics, Hangzhou Juno Genomics, Inc
Classification: Uncertain significance for Spermatogenic failure 65. Review status: criteria provided, single submitter. Criteria: ACMG Guidelines, 2015. Collection method: clinical testing. Allele origin: germline. Affected: yes.
Comment: Absent from controls (or at extremely low frequency if recessive) in Genome Aggregation Database, Exome Sequencing Project, 1000 Genomes Project, or Exome Aggregation Consortium.;Multiple lines of computational evidence support a deleterious effect on the gene or gene product (conservation, evolutionary, splicing impact, etc).;Patient's phenotype or family history is highly specific for a disease with a single genetic etiology.

NM_144666.3(DNHD1):c.3099C>T (p.Ser1033=)

Gene: DNHD1 (dynein heavy chain domain 1; plus strand). Cytogenetic location: 11p15.4.
Variant type: single nucleotide variant.
Coding change: c.3099C>T on transcript NM_144666.3 (MANE Select); coding-DNA position 3099, C replaced by T.
Protein change: p.Ser1033=; no amino-acid change (serine 1033 retained).
Molecular consequence: synonymous variant.
Genome position (GRCh38, 1-based): chr11:6,538,483, C>T. VCF-style: chr11-6538483-C-T. GRCh37 (hg19) VCF-style: chr11-6559713-C-T.
Identifiers: ClinVar variation 3764716 (VCV003764716.2).